The following is an entry in ClinVar:

NM_172362.3(KCNH1):c.1604G>A (p.Arg535Gln)

Gene: KCNH1 (potassium voltage-gated channel subfamily H member 1; minus strand). Cytogenetic location: 1q32.2.
Variant type: single nucleotide variant.
Coding change: c.1604G>A on transcript NM_172362.3 (MANE Select); coding-DNA position 1604, G replaced by A.
Protein change: p.Arg535Gln; replaces arginine 535 with glutamine.
Molecular consequence: missense variant.
Genome position (GRCh38, 1-based): chr1:210,804,025, C>T on the plus strand (G>A on the coding strand, the complement: KCNH1 is on the minus strand). VCF-style: chr1-210804025-C-T. GRCh37 (hg19) VCF-style: chr1-210977367-C-T.
Other names: c.1523G>A, p.Arg508Gln (NM_002238.4); short protein forms R508Q, R535Q.
Identifiers: ClinVar variation 4800016 (VCV004800016.1).
Genomic context (GRCh38, chr1:210,804,025, plus strand): 5'-ACCTTCTCTGTGTCAATGCCTCTGGACATGGACCAAGTGGACACAATATAATCCATTACT[C>T]GCTCACTCAATCCTTTTGGCACCTGGTAGAGCTTCAGGAAGTCCCGAACACTGTTGAGCA-3'
Protein context (NP_758872.1, residues 525-545): LYQVPKGLSE[Arg535Gln]VMDYIVSTWS

ClinVar aggregate classification (germline): Uncertain significance (1 of 4 stars; one submission).

gnomAD v4.1: 1 of 1,614,200 alleles (0.000062%); highest among the groups gnomAD compares: Non-Finnish European, 0.000085%; no homozygotes.

Submission:

Labcorp Genetics (formerly Invitae), Labcorp
Classification: Uncertain significance. Last evaluated: 2025-09-02. Review status: criteria provided, single submitter. Criteria: Invitae Variant Classification Sherloc (09022015). Collection method: clinical testing. Allele origin: germline.
Comment: This sequence change replaces arginine, which is basic and polar, with glutamine, which is neutral and polar, at codon 535 of the KCNH1 protein (p.Arg535Gln). This variant is not present in population databases (gnomAD no frequency). This variant has not been reported in the literature in individuals affected with KCNH1-related conditions. Invitae Evidence Modeling of protein sequence and biophysical properties (such as structural, functional, and spatial information, amino acid conservation, physicochemical variation, residue mobility, and thermodynamic stability) has been performed for this missense variant. However, the output from this modeling did not meet the statistical confidence thresholds required to predict the impact of this variant on KCNH1 protein function. In summary, the available evidence is currently insufficient to determine the role of this variant in disease. Therefore, it has been classified as a Variant of Uncertain Significance.